The following is an entry in ClinVar:

ClinVar aggregate classification (germline): Likely benign. Review status: criteria provided, multiple submitters, no conflicts (2 of 4 stars). 3 submissions from 3 submitters: Likely benign (3). Last evaluated 2025-09-01.

Conditions:
Glycine encephalopathy. Also called: Non-ketotic hyperglycinemia; Nonketotic hyperglycinemia. Identifiers: Orphanet 407, MedGen C0751748, MONDO:0011612, HP:0008288.

Allele frequency attached by ClinVar (database versions not stated): gnomAD exomes 0.00001.
gnomAD v4.1: 5 of 1,608,152 alleles (0.00031%); highest among the groups gnomAD compares: Middle Eastern, 0.017%; no homozygotes.

Submissions (3):

CeGaT Center for Human Genetics Tuebingen
Classification: Likely benign. Last evaluated: 2025-09-01. Review status: criteria provided, single submitter. Criteria: CeGaT Center For Human Genetics Tuebingen Variant Classification Criteria Version 2. Collection method: clinical testing. Allele origin: germline. Affected: yes. Observed: 2 variant alleles.
Comment: AMT: BP4, BP7

Labcorp Genetics (formerly Invitae), Labcorp
Classification: Likely benign for Glycine encephalopathy. Last evaluated: 2025-05-01. Review status: criteria provided, single submitter. Criteria: Invitae Variant Classification Sherloc (09022015). Collection method: clinical testing. Allele origin: germline.

Blueprint Genetics
Classification: Likely benign. Last evaluated: 2024-07-29. Review status: criteria provided, single submitter. Criteria: ACMG Guidelines, 2015. Collection method: clinical testing. Allele origin: germline.

NM_000481.4(AMT):c.879G>C (p.Gly293=)

Gene: AMT (aminomethyltransferase; minus strand). Cytogenetic location: 3p21.31.
Variant type: single nucleotide variant.
Coding change: c.879G>C on transcript NM_000481.4 (MANE Select); coding-DNA position 879, G replaced by C.
Protein change: p.Gly293=; no amino-acid change (glycine 293 retained).
Molecular consequence: synonymous variant. On other transcripts: non-coding transcript variant (1).
Genome position (GRCh38, 1-based): chr3:49,417,972, C>G on the plus strand (G>C on the coding strand, the complement: AMT is on the minus strand). VCF-style: chr3-49417972-C-G. GRCh37 (hg19) VCF-style: chr3-49455405-C-G.
Other names: c.747G>C, p.Gly249= (NM_001164710.2); c.711G>C, p.Gly237= (NM_001164711.2); c.879G>C, p.Gly293= (NM_001164712.2).
Identifiers: ClinVar variation 1114280 (VCV001114280.42), dbSNP rs972670254, ClinGen allele CA74512483.
Genomic context (GRCh38, chr3:49,417,972, plus strand): 5'-CTTCAGCTGGGGAACAATGACCTTGGCTCCAGGGAAGTCCATAGCAGCTCGGCGGCGCTT[C>G]CCTGGAGAATGACACATGAGACATAAGCCACAGCCCATAGAAGCCCTGGCCACAGGAGGT-3'
Protein context (NP_000472.2, residues 283-303): PVEGSLSWTL[Gly293=]KRRRAAMDFP